The following is an entry in ClinVar:

ClinVar aggregate classification (germline): Uncertain significance (0 of 4 stars; one submission).

Conditions:
ZNF407-related disorder. Also called: ZNF407-related condition.

Allele frequency attached by ClinVar (database versions not stated): TOPMed below 0.00001; gnomAD 0.00002; ExAC 0.00003; ESP Exome Variant Server 0.00008.
gnomAD v4.1: 12 of 1,613,406 alleles (0.00074%); highest among the groups gnomAD compares: African/African-American, 0.0013%; no homozygotes.

Submission:

PreventionGenetics, part of Exact Sciences
Classification: Uncertain significance for ZNF407-related condition. Last evaluated: 2024-02-26. Review status: no assertion criteria provided. Collection method: clinical testing. Allele origin: germline.
Comment: The ZNF407 c.2162C>T variant is predicted to result in the amino acid substitution p.Thr721Met. To our knowledge, this variant has not been reported in the literature. This variant is reported in 0.0065% of alleles in individuals of African descent in gnomAD. At this time, the clinical significance of this variant is uncertain due to the absence of conclusive functional and genetic evidence.

NM_017757.3(ZNF407):c.2162C>T (p.Thr721Met)

Gene: ZNF407 (zinc finger protein 407; plus strand). Cytogenetic location: 18q22.3.
Variant type: single nucleotide variant.
Coding change: c.2162C>T on transcript NM_017757.3 (MANE Select); coding-DNA position 2162, C replaced by T.
Protein change: p.Thr721Met; replaces threonine 721 with methionine.
Molecular consequence: missense variant.
Genome position (GRCh38, 1-based): chr18:74,633,181, C>T. VCF-style: chr18-74633181-C-T. GRCh37 (hg19) VCF-style: chr18-72345137-C-T.
Other names: c.2162C>T, p.Thr721Met (NM_001146189.1, NM_001146190.1, NM_001384475.1); short protein forms T721M.
Identifiers: ClinVar variation 3047063 (VCV003047063.2), dbSNP rs369448284, ClinGen allele CA9000478.